The following is an entry in ClinVar:

NC_000003.11:g.(370038_382476)_(436556_439909)dup

Gene: CHL1 (cell adhesion molecule L1 like; plus strand). Cytogenetic location: 3p26.3.
Variant type: Duplication.
Identifiers: ClinVar variation 2627206 (VCV002627206.1).

ClinVar aggregate classification (germline): Uncertain significance (1 of 4 stars; one submission).

Submission:

Women's Health and Genetics/Laboratory Corporation of America, LabCorp
Classification: Uncertain significance. Last evaluated: 2023-09-12. Review status: criteria provided, single submitter. Criteria: LabCorp Variant Classification Summary - May 2015. Collection method: clinical testing. Allele origin: germline.
Comment: Variant summary: The variant identified by MLPA or other technology involves the duplication of exons 6-24 in the CHL1 gene. A presumed nomenclature of c.(385+1_386-1)_(3094+1_3095-1)dup has been designated for the purposes of this classification. It has been assumed that this is a tandem duplication in direct orientation (Richardson_GIM_2018, Newman_AJHG_2015). Although exact breakpoints of this duplication are not known, it is expected to result in a large in-frame duplication change in the CHL1 gene. The variant was absent in 21694 control chromosomes (gnomAD Structural Variants dataset). The available data on variant occurrences in the general population are insufficient to allow any conclusion about variant significance. To our knowledge, no occurrence of c.(385+1_386-1)_(3094+1_3095-1)dup in individuals affected with CHL1-Related Disorders and no experimental evidence demonstrating its impact on protein function have been reported. No submitters have reported clinical-significance assessments for this variant to ClinVar after 2014. Other duplications involving this gene have been reported in both healthy controls (gnomAD Structural Variants dataset) and individuals with CHL1-related disorders, including cognitive impairment characterized by learning and language difficulties (e.g., PMID: 27354858), therefore allowing no conclusions about variant significance. Based on the evidence outlined above, the variant was classified as uncertain significance.